The following is an entry in ClinVar:

NM_001367624.2(ZNF469):c.1879G>A (p.Gly627Ser)

Gene: ZNF469 (zinc finger protein 469; plus strand). Cytogenetic location: 16q24.2.
Variant type: single nucleotide variant.
Coding change: c.1879G>A on transcript NM_001367624.2 (MANE Select); coding-DNA position 1879, G replaced by A.
Protein change: p.Gly627Ser; replaces glycine 627 with serine.
Molecular consequence: missense variant.
Genome position (GRCh38, 1-based): chr16:88,429,349, G>A. VCF-style: chr16-88429349-G-A. GRCh37 (hg19) VCF-style: chr16-88495757-G-A.
Other names: NM_001127464.1:c.1879G>A; short protein forms G627S.
Identifiers: ClinVar variation 1781843 (VCV001781843.4), dbSNP rs1272358231, ClinGen allele CA397069046.

ClinVar aggregate classification (germline): Conflicting classifications of pathogenicity. Review status: criteria provided, conflicting classifications (1 of 4 stars). 3 submissions from 3 submitters: Uncertain significance (1); Likely benign (2). Last evaluated 2026-04-14.

Conditions:
Cardiovascular phenotype. Identifiers: MedGen CN230736.

Allele frequency attached by ClinVar (database versions not stated): 1000 Genomes Project 30x 0.00016; gnomAD 0.00003.
gnomAD v4.1: 29 of 1,549,766 alleles (0.0019%); highest among the groups gnomAD compares: Admixed American, 0.0078%; no homozygotes.

Submissions (3):

Women's Health and Genetics/Laboratory Corporation of America, LabCorp
Classification: Uncertain significance. Last evaluated: 2026-04-14. Review status: criteria provided, single submitter. Criteria: LabCorp Variant Classification Summary - May 2015. Collection method: clinical testing. Allele origin: germline.
Comment: Variant summary: ZNF469 c.1879G>A (p.Gly627Ser) results in a non-conservative amino acid change in the encoded protein sequence. Algorithms developed to predict the effect of missense changes on protein structure and function are either unavailable or do not agree on the potential impact of this missense change. The variant allele was found at a frequency of 4.7e-05 in 148298 control chromosomes. The available data on variant occurrences in the general population are insufficient to allow any conclusion about variant significance. To our knowledge, no occurrence of c.1879G>A in individuals affected with ZNF469-related conditions and no experimental evidence demonstrating its impact on protein function have been reported. ClinVar contains an entry for this variant (Variation ID: 1781843). Based on the evidence outlined above, the variant was classified as uncertain significance.

Ambry Genetics
Classification: Likely benign for Cardiovascular phenotype. Last evaluated: 2022-08-27. Review status: criteria provided, single submitter. Criteria: Ambry Variant Classification Scheme 2023. Collection method: clinical testing. Allele origin: germline.

Breakthrough Genomics
Classification: Likely benign. Review status: criteria provided, single submitter. Criteria: ACMG Guidelines, 2015. Collection method: not provided. Allele origin: germline. Inheritance: Autosomal recessive inheritance. Affected: yes.